The following is an entry in ClinVar:

ClinVar aggregate classification (germline): Likely pathogenic. Review status: criteria provided, single submitter (1 of 4 stars). 2 submissions from 2 submitters: Likely pathogenic (1). 1 of the submissions does not count toward it. Last evaluated 2022-09-23.

Conditions:
Migraine with aura. Identifiers: MedGen C0154723, MONDO:0005475, HP:0002077.
Depression. Also called: Depressivity; Mental depression; Depressive disorder. Identifiers: MedGen C0011581, MeSH D003866, MONDO:0002050, HP:0000716.
Stroke disorder. Also called: Stroke. Identifiers: MedGen C0038454, MeSH D020521, MONDO:0005098, HP:0001297.

Submissions (2):

Labcorp Genetics (formerly Invitae), Labcorp
Classification: Likely pathogenic. Last evaluated: 2022-09-23. Review status: criteria provided, single submitter. Criteria: Invitae Variant Classification Sherloc (09022015). Collection method: clinical testing. Allele origin: germline.
Comment: This missense change has been observed in individual(s) with cerebral arteriopathy with subcortical infarcts and leukoencephalopathy and/or clinical features of NOTCH3-related conditions (PMID: 15364702, 16009764, 32581362). This sequence change replaces cysteine, which is neutral and slightly polar, with serine, which is neutral and polar, at codon 379 of the NOTCH3 protein (p.Cys379Ser). This variant is not present in population databases (gnomAD no frequency). This variant is also known as c.1214G>C. ClinVar contains an entry for this variant (Variation ID: 812744). Advanced modeling of protein sequence and biophysical properties (such as structural, functional, and spatial information, amino acid conservation, physicochemical variation, residue mobility, and thermodynamic stability) performed at Invitae indicates that this missense variant is expected to disrupt NOTCH3 protein function. This variant disrupts the p.Cys379 amino acid residue in NOTCH3. Other variant(s) that disrupt this residue have been determined to be pathogenic (PMID: 21616505). This suggests that this residue is clinically significant, and that variants that disrupt this residue are likely to be disease-causing. In summary, the currently available evidence indicates that the variant is pathogenic, but additional data are needed to prove that conclusively. Therefore, this variant has been classified as Likely Pathogenic.

NIHR Bioresource Rare Diseases, University of Cambridge
Classification: Likely pathogenic for Depression; Stroke disorder; Migraine with aura. Review status: no assertion criteria provided. Collection method: research. Allele origin: unknown. Affected: yes. Observed: 1 variant allele. Not counted in ClinVar's aggregate classification.

Literature cited by the submitters: PubMed 15364702 (cited by Labcorp Genetics (formerly Invitae), Labcorp); PubMed 16009764 (cited by Labcorp Genetics (formerly Invitae), Labcorp); PubMed 32581362 (cited by Labcorp Genetics (formerly Invitae), Labcorp and NIHR Bioresource Rare Diseases, University of Cambridge); PubMed 21616505 (cited by Labcorp Genetics (formerly Invitae), Labcorp).

NM_000435.3(NOTCH3):c.1136G>C (p.Cys379Ser)

Gene: NOTCH3 (notch receptor 3; minus strand). Cytogenetic location: 19p13.12.
Variant type: single nucleotide variant.
Coding change: c.1136G>C on transcript NM_000435.3 (MANE Select); coding-DNA position 1136, G replaced by C.
Protein change: p.Cys379Ser; replaces cysteine 379 with serine.
Molecular consequence: missense variant.
Genome position (GRCh38, 1-based): chr19:15,189,329, C>G on the plus strand (G>C on the coding strand, the complement: NOTCH3 is on the minus strand). VCF-style: chr19-15189329-C-G. GRCh37 (hg19) VCF-style: chr19-15300140-C-G.
Other names: short protein forms C379S.
Identifiers: ClinVar variation 812744 (VCV000812744.6), dbSNP rs1599391986, ClinGen allele CA404529178.